The following is an entry in ClinVar:

ClinVar aggregate classification (germline): Uncertain significance (1 of 4 stars; one submission).

Conditions:
ANKRD1-related dilated cardiomyopathy. Identifiers: MedGen CN119551.

Allele frequency attached by ClinVar (database versions not stated): gnomAD 0.00001; gnomAD exomes 0.00001; TOPMed 0.00002.
gnomAD v4.1: 10 of 1,539,052 alleles (0.00065%); highest among the groups gnomAD compares: Non-Finnish European, 0.00078%; no homozygotes.

Submission:

Labcorp Genetics (formerly Invitae), Labcorp
Classification: Uncertain significance for ANKRD1-related dilated cardiomyopathy. Last evaluated: 2025-12-09. Review status: criteria provided, single submitter. Criteria: Invitae Variant Classification Sherloc (09022015). Collection method: clinical testing. Allele origin: germline.
Comment: This sequence change falls in intron 3 of the ANKRD1 gene. It does not directly change the encoded amino acid sequence of the ANKRD1 protein. It affects a nucleotide within the consensus splice site. This variant is present in population databases (no rsID available, gnomAD 0.0008%). This variant has not been reported in the literature in individuals affected with ANKRD1-related conditions. ClinVar contains an entry for this variant (Variation ID: 2167985). Variants that disrupt the consensus splice site are a relatively common cause of aberrant splicing (PMID: 17576681, 9536098). Algorithms developed to predict the effect of sequence changes on RNA splicing suggest that this variant is not likely to affect RNA splicing. In summary, the available evidence is currently insufficient to determine the role of this variant in disease. Therefore, it has been classified as a Variant of Uncertain Significance.

Literature cited by the submitters: PubMed 17576681; PubMed 9536098.

NM_014391.3(ANKRD1):c.346-3T>C

Gene: ANKRD1 (ankyrin repeat domain 1; minus strand). Cytogenetic location: 10q23.31.
Variant type: single nucleotide variant.
Coding change: c.346-3T>C on transcript NM_014391.3 (MANE Select); 3 bases into the intron before coding-DNA position 346, T replaced by C.
Molecular consequence: intron variant.
Genome position (GRCh38, 1-based): chr10:90,918,975, A>G on the plus strand (T>C on the coding strand, the complement: ANKRD1 is on the minus strand). VCF-style: chr10-90918975-A-G. GRCh37 (hg19) VCF-style: chr10-92678732-A-G.
Identifiers: ClinVar variation 2167985 (VCV002167985.4), dbSNP rs1203978319, ClinGen allele CA595185712.